The following is an entry in ClinVar:

NM_006158.5(NEFL):c.1627G>A (p.Asp543Asn)

Gene: NEFL (neurofilament light chain; minus strand). Cytogenetic location: 8p21.2.
Variant type: single nucleotide variant.
Coding change: c.1627G>A on transcript NM_006158.5 (MANE Select); coding-DNA position 1627, G replaced by A.
Protein change: p.Asp543Asn; replaces aspartic acid 543 with asparagine.
Molecular consequence: missense variant.
Genome position (GRCh38, 1-based): chr8:24,952,815, C>T on the plus strand (G>A on the coding strand, the complement: NEFL is on the minus strand). VCF-style: chr8-24952815-C-T. GRCh37 (hg19) VCF-style: chr8-24810328-C-T.
Other names: short protein forms D543N.
Identifiers: ClinVar variation 1038827 (VCV001038827.5), dbSNP rs1802987647, ClinGen allele CA370619470.

ClinVar aggregate classification (germline): Uncertain significance (1 of 4 stars; one submission).

Conditions:
Charcot-Marie-Tooth disease type 2E (CMT2E). Also called: CHARCOT-MARIE-TOOTH DISEASE, AXONAL, TYPE 2E; CHARCOT-MARIE-TOOTH NEUROPATHY, TYPE 2E. Identifiers: Orphanet 99939, MedGen C1843225, MONDO:0011894, OMIM 607684.

Allele frequency attached by ClinVar (database versions not stated): gnomAD exomes 0.00001.
gnomAD v4.1: 15 of 1,613,872 alleles (0.00093%); highest among the groups gnomAD compares: Non-Finnish European, 0.0012%; no homozygotes.

Submission:

Labcorp Genetics (formerly Invitae), Labcorp
Classification: Uncertain significance for Charcot-Marie-Tooth disease type 2E. Last evaluated: 2021-09-08. Review status: criteria provided, single submitter. Criteria: Invitae Variant Classification Sherloc (09022015). Collection method: clinical testing. Allele origin: germline.
Comment: This sequence change replaces aspartic acid with asparagine at codon 543 of the NEFL protein (p.Asp543Asn). The aspartic acid residue is moderately conserved and there is a small physicochemical difference between aspartic acid and asparagine. This variant is not present in population databases (ExAC no frequency). This variant has not been reported in the literature in individuals affected with NEFL-related conditions. Experimental studies and prediction algorithms are not available or were not evaluated, and the functional significance of this variant is currently unknown. In summary, the available evidence is currently insufficient to determine the role of this variant in disease. Therefore, it has been classified as a Variant of Uncertain Significance.